The following is an entry in ClinVar:

NM_000022.4(ADA):c.941A>G (p.Asp314Gly)

Gene: ADA (adenosine deaminase; minus strand). Cytogenetic location: 20q13.12.
Variant type: single nucleotide variant.
Coding change: c.941A>G on transcript NM_000022.4 (MANE Select); coding-DNA position 941, A replaced by G.
Protein change: p.Asp314Gly; replaces aspartic acid 314 with glycine.
Molecular consequence: missense variant. On other transcripts: non-coding transcript variant (1).
Genome position (GRCh38, 1-based): chr20:44,621,052, T>C on the plus strand (A>G on the coding strand, the complement: ADA is on the minus strand). VCF-style: chr20-44621052-T-C. GRCh37 (hg19) VCF-style: chr20-43249693-T-C.
Other names: NM_000022.4(ADA):c.941A>G; p.Asp314Gly; c.536A>G, p.Asp179Gly (NM_001322050.2); c.869A>G, p.Asp290Gly (NM_001322051.2); short protein forms D179G, D314G, D290G.
Identifiers: ClinVar variation 897015 (VCV000897015.19), dbSNP rs547569818, ClinGen allele CA9871460.

ClinVar aggregate classification (germline): Uncertain significance. Review status: reviewed by expert panel (3 of 4 stars). 6 submissions from 6 submitters: Uncertain significance (1). 5 of the submissions do not count toward it. Last evaluated 2024-01-23.

Conditions:
Severe combined immunodeficiency, autosomal recessive, T cell-negative, B cell-negative, NK cell-negative, due to adenosine deaminase deficiency. Also called: ADA deficiency; Adenosine deaminase deficient severe combined immunodeficiency; Severe combined immunodeficiency due to ADA deficiency; ADA-SCID; SCID DUE TO ADA DEFICIENCY; SCID DUE TO ADA DEFICIENCY, EARLY-ONSET. Identifiers: Orphanet 277, MedGen C0392607, MONDO:0007064, OMIM 102700.

Allele frequency attached by ClinVar (database versions not stated): gnomAD 0.00001 and 0.00002; gnomAD exomes 0.00002 and 0.00008; TOPMed 0.00005; ExAC 0.00010; 1000 Genomes Project 30x 0.00016; 1000 Genomes Project 0.00020.
gnomAD v4.1: 50 of 1,614,148 alleles (0.0031%); highest among the groups gnomAD compares: East Asian, 0.076%; no homozygotes.

Submissions (6):

ClinGen Severe Combined Immunodeficiency Variant Curation Expert Panel, ClinGen
Classification: Uncertain significance for Severe combined immunodeficiency, autosomal recessive, T cell-negative, B cell-negative, NK cell-negative, due to adenosine deaminase deficiency. Last evaluated: 2024-01-23. Review status: reviewed by expert panel. Criteria: ClinGen SCID ACMG Specifications ADA V1.0.0. Collection method: curation. Allele origin: germline. Inheritance: Autosomal recessive inheritance.
Comment: The c.941A>G (NM_000022.4) variant in ADA is a missense variant predicted to cause substitution of Aspartic Acid by Glycine at amino acid 314( p.Asp314Gly). The highest population minor allele frequency in gnomAD v2.1.1 is 0.0006757 (20/19954 alleles) in the East Asian population. PM2_Supporting (<0.0001742), BS1 (>0.00161), and BA1 (>0.00721) are not met. No homozygotes have been observed in gnomAD. Another missense variant [c.940G>T, p.Asp314Tyr] in the same codon has been reported; However, this variant was classified as VUS by the ClinGen SCID VCEP (PM5 not met). To our knowledge, this variant has not been reported in the literature in individuals affected with ADA-related conditions or in functional studies. Due to insufficient evidence, this variant is classified as a variant of uncertain significance for autosomal recessive SCID based on ACMG/AMP criteria applied, as specified by the ClinGen SCID VCEP (specification version 1.0): No criteria were applied.

Labcorp Genetics (formerly Invitae), Labcorp
Classification: Likely benign for Severe combined immunodeficiency, autosomal recessive, T cell-negative, B cell-negative, NK cell-negative, due to adenosine deaminase deficiency. Last evaluated: 2026-01-24. Review status: criteria provided, single submitter. Criteria: Invitae Variant Classification Sherloc (09022015). Collection method: clinical testing. Allele origin: germline. Not counted in ClinVar's aggregate classification.

Blueprint Genetics
Classification: Uncertain significance. Last evaluated: 2024-01-15. Review status: criteria provided, single submitter. Criteria: ACMG Guidelines, 2015. Collection method: clinical testing. Allele origin: germline. Not counted in ClinVar's aggregate classification.

Revvity Omics, Revvity
Classification: Uncertain significance for Severe combined immunodeficiency, autosomal recessive, T cell-negative, B cell-negative, NK cell-negative, due to adenosine deaminase deficiency. Last evaluated: 2023-06-05. Review status: criteria provided, single submitter. Criteria: ACMG Guidelines, 2015. Collection method: clinical testing. Allele origin: germline. Not counted in ClinVar's aggregate classification.

Genome-Nilou Lab
Classification: Uncertain significance for Severe combined immunodeficiency, autosomal recessive, T cell-negative, B cell-negative, NK cell-negative, due to adenosine deaminase deficiency. Last evaluated: 2021-08-10. Review status: criteria provided, single submitter. Criteria: ACMG Guidelines, 2015. Collection method: clinical testing. Allele origin: germline. Affected: no. Not counted in ClinVar's aggregate classification.

Illumina Laboratory Services, Illumina
Classification: Uncertain significance for Severe combined immunodeficiency, autosomal recessive, T cell-negative, B cell-negative, NK cell-negative, due to adenosine deaminase deficiency. Last evaluated: 2018-01-15. Review status: criteria provided, single submitter. Criteria: ICSL Variant Classification Criteria 13 December 2019. Collection method: clinical testing. Allele origin: germline. Not counted in ClinVar's aggregate classification.